The following is an entry in ClinVar:

NM_000284.4(PDHA1):c.1172_*3del (p.Ser390_Ter391insTer)

Gene: PDHA1 (pyruvate dehydrogenase E1 subunit alpha 1; plus strand). Cytogenetic location: Xp22.12.
Variant type: Deletion.
Coding change: c.1172_*3del on transcript NM_000284.4 (MANE Select); coding-DNA position 1172 through 3 bases downstream of the stop codon, 5 bases deleted (AAGGG; older notation c.1172_*3delAAGGG).
Protein change: p.Ser390_Ter391insTer.
Molecular consequence: frameshift variant.
Genome position (GRCh38, 1-based): chrX:19,359,652-19,359,656, AAGGG deleted. VCF-style (leftmost placement, unchanged base first): chrX-19359651-TAAGGG-T. GRCh37 (hg19) VCF-style: chrX-19377769-TAAGGG-T.
Other names: c.1286_*3del, p.Ser428_Ter429insTer (NM_001173454.2); c.1193_*3del, p.Ser397_Ter398insTer (NM_001173455.2); c.1079_*3del, p.Ser359_Ter360insTer (NM_001173456.2); c.1172_*3delAAGGG (NM_000284.4).
Identifiers: ClinVar variation 523915 (VCV000523915.3), dbSNP rs1555935577, ClinGen allele CA658799596.
Genomic context (GRCh38, chrX:19,359,651, plus strand): 5'-AGCGACCCACCTTTTGAAGTTCGTGGTGCCAATCAGTGGATCAAGTTTAAGTCAGTCAGT[TAAGGG>T]GAGGAGAAGGAGAGGTTATACCTTCAGGGGGCTACCAGACAGTGTTCTCAACTTGGTTAA-3'

ClinVar aggregate classification (germline): Likely benign. Review status: criteria provided, single submitter (1 of 4 stars). 2 submissions from 2 submitters: Likely benign (1). 1 of the submissions does not count toward it. Last evaluated 2017-10-16.

Conditions:
Pyruvate dehydrogenase complex deficiency (PDHC). Also called: PYRUVATE DECARBOXYLASE DEFICIENCY; PDH DEFICIENCY; Pyruvate Dehydrogenase Complex Deficiency Disease; Pyruvate dehydrogenase deficiency; Ataxia with lactic acidosis 1. Identifiers: Orphanet 765, Orphanet 79243, MedGen C0034345, MONDO:0019169.

Submissions (2):

GeneDx
Classification: Likely benign. Last evaluated: 2017-10-16. Review status: criteria provided, single submitter. Criteria: GeneDx Variant Classification (06012015). Collection method: clinical testing. Allele origin: germline. Affected: yes.
Comment: This variant is considered likely benign or benign based on one or more of the following criteria: it is a conservative change, it occurs at a poorly conserved position in the protein, it is predicted to be benign by multiple in silico algorithms, and/or has population frequency not consistent with disease.

Natera, Inc.
Classification: Likely benign for Pyruvate decarboxylase deficiency. Last evaluated: 2020-09-16. Review status: no assertion criteria provided. Collection method: clinical testing. Allele origin: germline. Not counted in ClinVar's aggregate classification.